The following is an entry in ClinVar:

NM_005472.5(KCNE3):c.182T>C (p.Ile61Thr)

Gene: KCNE3 (potassium voltage-gated channel subfamily E regulatory subunit 3; minus strand). Cytogenetic location: 11q13.4.
Variant type: single nucleotide variant.
Coding change: c.182T>C on transcript NM_005472.5 (MANE Select); coding-DNA position 182, T replaced by C.
Protein change: p.Ile61Thr; replaces isoleucine 61 with threonine.
Molecular consequence: missense variant.
Genome position (GRCh38, 1-based): chr11:74,457,382, A>G on the plus strand (T>C on the coding strand, the complement: KCNE3 is on the minus strand). VCF-style: chr11-74457382-A-G. GRCh37 (hg19) VCF-style: chr11-74168427-A-G.
Other names: short protein forms I61T.
Identifiers: ClinVar variation 4614343 (VCV004614343.2).
Genomic context (GRCh38, chr11:74,457,382, plus strand): 5'-CGGGTGTATCCCAGGATGAGGCTGCCCACAGTTACAGCAAATAGAAACATGACAAAGAGA[A>G]TGTACATGTAGGAGTTGTCATCACGGCCAGGTAGGCTGGCCCGCCTCTCTTCAGTCTGGT-3'
Protein context (NP_005463.1, residues 51-71): PGRDDNSYMY[Ile61Thr]LFVMFLFAVT

ClinVar aggregate classification (germline): Uncertain significance. Review status: criteria provided, multiple submitters, no conflicts (2 of 4 stars). 2 submissions from 2 submitters: Uncertain significance (2). Last evaluated 2025-09-17.

Conditions:
Cardiovascular phenotype. Identifiers: MedGen CN230736.
Brugada syndrome 6 (BRGDA6). Identifiers: Orphanet 130, MedGen C2751089, MONDO:0013145, OMIM 613119.

gnomAD v4.1: 6 of 1,614,050 alleles (0.00037%); highest among the groups gnomAD compares: African/African-American, 0.008%; no homozygotes.

Submissions (2):

Ambry Genetics
Classification: Uncertain significance for Cardiovascular phenotype. Last evaluated: 2025-09-17. Review status: criteria provided, single submitter. Criteria: Ambry Variant Classification Scheme 2023. Collection method: clinical testing. Allele origin: germline.
Comment: The p.I61T variant (also known as c.182T>C), located in coding exon 1 of the KCNE3 gene, results from a T to C substitution at nucleotide position 182. The isoleucine at codon 61 is replaced by threonine, an amino acid with similar properties. This amino acid position is conserved. In addition, this alteration is predicted to be deleterious by in silico analysis. Based on the available evidence, the clinical significance of this variant remains unclear.

Labcorp Genetics (formerly Invitae), Labcorp
Classification: Uncertain significance for Brugada syndrome 6. Last evaluated: 2025-06-29. Review status: criteria provided, single submitter. Criteria: Invitae Variant Classification Sherloc (09022015). Collection method: clinical testing. Allele origin: germline.
Comment: This sequence change replaces isoleucine, which is neutral and non-polar, with threonine, which is neutral and polar, at codon 61 of the KCNE3 protein (p.Ile61Thr). This variant is present in population databases (rs758367217, gnomAD 0.01%). This variant has not been reported in the literature in individuals affected with KCNE3-related conditions. An algorithm developed to predict the effect of missense changes on protein structure and function (PolyPhen-2) suggests that this variant is likely to be disruptive. In summary, the available evidence is currently insufficient to determine the role of this variant in disease. Therefore, it has been classified as a Variant of Uncertain Significance.